The following is an entry in ClinVar:

NM_001267550.2(TTN):c.56713T>C (p.Trp18905Arg)

Genes: TTN (titin; minus strand), TTN-AS1 (TTN antisense RNA 1; plus strand). Cytogenetic location: 2q31.2.
Variant type: single nucleotide variant.
Coding change: c.56713T>C on transcript NM_001267550.2 (MANE Select); coding-DNA position 56713, T replaced by C.
Protein change: p.Trp18905Arg; replaces tryptophan 18905 with arginine.
Molecular consequence: missense variant.
Genome position (GRCh38, 1-based): chr2:178,598,997, A>G on the plus strand (T>C on the coding strand, the complement: TTN is on the minus strand). VCF-style: chr2-178598997-A-G. GRCh37 (hg19) VCF-style: chr2-179463724-A-G.
Other names: c.51790T>C, p.Trp17264Arg (NM_001256850.1); c.29518T>C, p.Trp9840Arg (NM_003319.4); c.49009T>C, p.Trp16337Arg (NM_133378.4); c.29893T>C, p.Trp9965Arg (NM_133432.3); c.30094T>C, p.Trp10032Arg (NM_133437.4); short protein forms W10032R, W16337R, W17264R, W18905R, W9840R, W9965R.
Identifiers: ClinVar variation 5041489 (VCV005041489.1).

ClinVar aggregate classification (germline): Uncertain significance (1 of 4 stars; one submission).

Submission:

CeGaT Center for Human Genetics Tuebingen
Classification: Uncertain significance. Last evaluated: 2026-09-01. Review status: criteria provided, single submitter. Criteria: CeGaT Center For Human Genetics Tuebingen Variant Classification Criteria Version 2. Collection method: clinical testing. Allele origin: germline. Affected: yes. Observed: 1 variant allele.
Comment: TTN: PM2, PP3